The following is an entry in ClinVar:

ClinVar aggregate classification (germline): Pathogenic/Likely pathogenic. Review status: criteria provided, multiple submitters, no conflicts (2 of 4 stars). 2 submissions from 2 submitters: Pathogenic (1); Likely pathogenic (1). Last evaluated 2025-06-12.

Conditions:
Fanconi anemia (FA). Also called: Fanconi's anemia. Identifiers: Orphanet 84, MedGen C0015625, MeSH D005199, MONDO:0019391.
Fanconi anemia complementation group A (FANCA). Also called: FANCA-Related Fanconi Anemia; Fanconi anemia, group A. Identifiers: Orphanet 84, MedGen C3469521, MONDO:0009215, OMIM 227650.

Allele frequency attached by ClinVar (database versions not stated): TOPMed below 0.00001.
gnomAD v4.1: 1 of 1,610,838 alleles (0.000062%); highest among the groups gnomAD compares: African/African-American, 0.0013%; no homozygotes.

Submissions (2):

Labcorp Genetics (formerly Invitae), Labcorp
Classification: Pathogenic for Fanconi anemia. Last evaluated: 2025-06-12. Review status: criteria provided, single submitter. Criteria: Invitae Variant Classification Sherloc (09022015). Collection method: clinical testing. Allele origin: germline.
Comment: This sequence change creates a premature translational stop signal (p.Glu63*) in the FANCA gene. It is expected to result in an absent or disrupted protein product. Loss-of-function variants in FANCA are known to be pathogenic (PMID: 19367192). This variant is not present in population databases (gnomAD no frequency). This variant has not been reported in the literature in individuals affected with FANCA-related conditions. ClinVar contains an entry for this variant (Variation ID: 1903231). For these reasons, this variant has been classified as Pathogenic.

Baylor Genetics
Classification: Likely pathogenic for Fanconi anemia complementation group A. Last evaluated: 2024-02-17. Review status: criteria provided, single submitter. Criteria: ACMG Guidelines, 2015. Collection method: clinical testing. Allele origin: unknown.

Literature cited by the submitters: PubMed 19367192 (cited by Labcorp Genetics (formerly Invitae), Labcorp).

NM_000135.4(FANCA):c.187G>T (p.Glu63Ter)

Gene: FANCA (FA complementation group A; minus strand). Cytogenetic location: 16q24.3.
Variant type: single nucleotide variant.
Coding change: c.187G>T on transcript NM_000135.4 (MANE Select); coding-DNA position 187, G replaced by T.
Protein change: p.Glu63Ter; replaces glutamic acid 63 with a stop codon.
Molecular consequence: nonsense.
Genome position (GRCh38, 1-based): chr16:89,815,879, C>A on the plus strand (G>T on the coding strand, the complement: FANCA is on the minus strand). VCF-style: chr16-89815879-C-A. GRCh37 (hg19) VCF-style: chr16-89882287-C-A.
Other names: c.187G>T, p.Glu63Ter (NM_001018112.3, NM_001286167.3, NM_001351830.2); short protein forms E63*.
Identifiers: ClinVar variation 1903231 (VCV001903231.7), dbSNP rs1282690126, ClinGen allele CA397483198.